The following is an entry in ClinVar:

ClinVar aggregate classification (germline): Uncertain significance (1 of 4 stars; one submission).

Conditions:
Hereditary cancer-predisposing syndrome. Also called: Neoplastic Syndromes, Hereditary; Tumor predisposition; Hereditary neoplastic syndrome; Hereditary Cancer Syndrome. Identifiers: Orphanet 140162, MedGen C0027672, MeSH D009386, MONDO:0015356.

Submission:

Ambry Genetics
Classification: Uncertain significance for Hereditary cancer-predisposing syndrome. Last evaluated: 2024-01-19. Review status: criteria provided, single submitter. Criteria: Ambry Variant Classification Scheme 2023. Collection method: clinical testing. Allele origin: germline.
Comment: The p.M1139L variant (also known as c.3415A>C), located in coding exon 20 of the PTCH1 gene, results from an A to C substitution at nucleotide position 3415. The methionine at codon 1139 is replaced by leucine, an amino acid with highly similar properties. This amino acid position is conserved. In addition, this alteration is predicted to be deleterious by in silico analysis. Based on the available evidence, the clinical significance of this alteration remains unclear.

NM_000264.5(PTCH1):c.3415A>C (p.Met1139Leu)

Gene: PTCH1 (patched 1; minus strand). Cytogenetic location: 9q22.32.
Variant type: single nucleotide variant.
Coding change: c.3415A>C on transcript NM_000264.5 (MANE Select); coding-DNA position 3415, A replaced by C.
Protein change: p.Met1139Leu; replaces methionine 1139 with leucine.
Molecular consequence: missense variant. On other transcripts: non-coding transcript variant (1).
Genome position (GRCh38, 1-based): chr9:95,453,512, T>G on the plus strand (A>C on the coding strand, the complement: PTCH1 is on the minus strand). VCF-style: chr9-95453512-T-G. GRCh37 (hg19) VCF-style: chr9-98215794-T-G.
Other names: c.3217A>C, p.Met1073Leu (NM_001083602.3); c.3412A>C, p.Met1138Leu (NM_001083603.3); c.2962A>C, p.Met988Leu (NM_001083604.3, NM_001083605.3, NM_001083606.3 and 1 more transcripts); c.3259A>C, p.Met1087Leu (NM_001354918.2); short protein forms M1073L, M1087L, M1138L, M1139L, M988L.
Identifiers: ClinVar variation 3231013 (VCV003231013.1), dbSNP rs2538040446, ClinGen allele CA374111720.